The following is an entry in ClinVar:

ClinVar aggregate classification (germline): Conflicting classifications of pathogenicity. Review status: criteria provided, conflicting classifications (1 of 4 stars). 7 submissions from 7 submitters: Uncertain significance (6); Likely benign (1). Last evaluated 2025-11-12.

Conditions:
Distal myopathy with posterior leg and anterior hand involvement. Also called: WILLIAMS DISTAL MYOPATHY. Identifiers: Orphanet 63273, MedGen C3279722, MONDO:0013550, OMIM 614065.
Hypertrophic cardiomyopathy 26. Also called: Cardiomyopathy, familial hypertrophic, 26. Identifiers: Orphanet 75249, MedGen C4310749, MONDO:0014883, OMIM 617047.
Myofibrillar myopathy 5. Also called: Filaminopathy (type); FILAMINOPATHY, AUTOSOMAL DOMINANT. Identifiers: Orphanet 171445, MedGen C1836050, MONDO:0012289, OMIM 609524.
Cardiovascular phenotype. Identifiers: MedGen CN230736.

Allele frequency attached by ClinVar (database versions not stated): gnomAD 0.00001; gnomAD exomes 0.00001 and 0.00002; TOPMed 0.00002; ExAC 0.00003.
gnomAD v4.1: 13 of 1,613,910 alleles (0.00081%); highest among the groups gnomAD compares: Non-Finnish European, 0.0011%; no homozygotes.

Submissions (7):

Women's Health and Genetics/Laboratory Corporation of America, LabCorp
Classification: Uncertain significance. Last evaluated: 2025-11-12. Review status: criteria provided, single submitter. Criteria: LabCorp Variant Classification Summary - May 2015. Collection method: clinical testing. Allele origin: germline.
Comment: Variant summary: FLNC c.1840G>A (p.Ala614Thr) results in a non-conservative amino acid change in the encoded protein sequence. Algorithms developed to predict the effect of missense changes on protein structure and function all suggest that this variant is likely to be disruptive. The variant allele was found at a frequency of 8.1e-06 in 1613910 control chromosomes, predominantly at a frequency of 1.1e-05 within the Non-Finnish European subpopulation in the gnomAD database. This frequency is not significantly higher than estimated for disease-causing variants in FLNC, allowing no conclusion about variant significance. To our knowledge, no occurrence of c.1840G>A in individuals affected with FLNC-related conditions and no experimental evidence demonstrating its impact on protein function have been reported. ClinVar contains an entry for this variant (Variation ID: 1004530). Based on the evidence outlined above, the variant was classified as uncertain significance.

Labcorp Genetics (formerly Invitae), Labcorp
Classification: Likely benign for Distal myopathy with posterior leg and anterior hand involvement; Myofibrillar myopathy 5; Hypertrophic cardiomyopathy 26. Last evaluated: 2025-10-14. Review status: criteria provided, single submitter. Criteria: Invitae Variant Classification Sherloc (09022015). Collection method: clinical testing. Allele origin: germline.

Ambry Genetics
Classification: Uncertain significance for Cardiovascular phenotype. Last evaluated: 2025-05-18. Review status: criteria provided, single submitter. Criteria: Ambry Variant Classification Scheme 2023. Collection method: clinical testing. Allele origin: germline.
Comment: The p.A614T variant (also known as c.1840G>A), located in coding exon 12 of the FLNC gene, results from a G to A substitution at nucleotide position 1840. The alanine at codon 614 is replaced by threonine, an amino acid with similar properties. This amino acid position is conserved. In addition, this alteration is predicted to be deleterious by in silico analysis. Since supporting evidence is limited at this time, the clinical significance of this alteration remains unclear.

GeneDx
Classification: Uncertain significance. Last evaluated: 2025-04-21. Review status: criteria provided, single submitter. Criteria: GeneDx Variant Classification Process June 2021. Collection method: clinical testing. Allele origin: germline. Affected: yes.
Comment: Not observed at significant frequency in large population cohorts (gnomAD); In silico analysis supports that this missense variant has a deleterious effect on protein structure/function; Has not been previously published as pathogenic or benign to our knowledge

CeGaT Center for Human Genetics Tuebingen
Classification: Uncertain significance. Last evaluated: 2024-06-01. Review status: criteria provided, single submitter. Criteria: CeGaT Center For Human Genetics Tuebingen Variant Classification Criteria Version 2. Collection method: clinical testing. Allele origin: germline. Affected: yes. Observed: 1 variant allele.
Comment: FLNC: PP3

Breda Genetics srl
Classification: Uncertain significance for Myofibrillar myopathy 5. Last evaluated: 2022-08-22. Review status: criteria provided, single submitter. Criteria: ACMG Guidelines, 2015. Collection method: clinical testing. Allele origin: germline. Inheritance: Autosomal dominant inheritance. Affected: yes. Observed: 1 variant allele, 1 heterozygote.
Comment: The variant c.1840G>A (p.Ala614Thr) in the FLNC gene is reported with uncertain significance for FLNC-associated diseases in ClinVar (Variation ID: 1004530) and as uncertain in the Global Variome shared LOVD database v.3.0 (genomic variant: #0000610716). The variant is reported with an estimated allele frequency of 0.00002005 in gnomAD exomes with no homozygous individuals reported. The nucleotide position is conserved across 35 mammalian species (GERP RS: 4.31). In silico analysis indicates that the variant might be damaging.

Juno Genomics, Hangzhou Juno Genomics, Inc
Classification: Uncertain significance for Myofibrillar myopathy 5; Hypertrophic cardiomyopathy 26; Distal myopathy with posterior leg and anterior hand involvement. Review status: criteria provided, single submitter. Criteria: ACMG Guidelines, 2015. Collection method: clinical testing. Allele origin: germline.
Comment: Absent from controls (or at extremely low frequency if recessive) in Genome Aggregation Database.;Missense variant in a gene that has a low rate of benign missense variation.;Multiple lines of computational evidence support a deleterious effect on the gene or gene product.

NM_001458.5(FLNC):c.1840G>A (p.Ala614Thr)

Gene: FLNC (filamin C; plus strand). Cytogenetic location: 7q32.1.
Variant type: single nucleotide variant.
Coding change: c.1840G>A on transcript NM_001458.5 (MANE Select); coding-DNA position 1840, G replaced by A.
Protein change: p.Ala614Thr; replaces alanine 614 with threonine.
Molecular consequence: missense variant.
Genome position (GRCh38, 1-based): chr7:128,841,196, G>A. VCF-style: chr7-128841196-G-A. GRCh37 (hg19) VCF-style: chr7-128481250-G-A.
Other names: c.1840G>A (NM_001458.4); c.1840G>A, p.Ala614Thr (NM_001127487.2); short protein forms A614T.
Identifiers: ClinVar variation 1004530 (VCV001004530.32), dbSNP rs746183882, ClinGen allele CA4474514.